The following is an entry in ClinVar:

NM_000282.4(PCCA):c.2172C>T (p.Leu724=)

Gene: PCCA (propionyl-CoA carboxylase subunit alpha; plus strand). Cytogenetic location: 13q32.3.
Variant type: single nucleotide variant.
Coding change: c.2172C>T on transcript NM_000282.4 (MANE Select); coding-DNA position 2172, C replaced by T.
Protein change: p.Leu724=; no amino-acid change (leucine 724 retained).
Molecular consequence: synonymous variant. On other transcripts: non-coding transcript variant (5).
Genome position (GRCh38, 1-based): chr13:100,530,151, C>T. VCF-style: chr13-100530151-C-T. GRCh37 (hg19) VCF-style: chr13-101182405-C-T.
Other names: p.Leu724=; c.2094C>T, p.Leu698= (NM_001127692.3); c.2031C>T, p.Leu677= (NM_001178004.2); c.2118C>T, p.Leu706= (NM_001352605.2); c.2028C>T, p.Leu676= (NM_001352606.2); c.1953C>T, p.Leu651= (NM_001352607.2); c.1950C>T, p.Leu650= (NM_001352608.2); c.1227C>T, p.Leu409= (NM_001352610.2); and 2 more.
Identifiers: ClinVar variation 310851 (VCV000310851.41), dbSNP rs150352833, ClinGen allele CA7033935.

ClinVar aggregate classification (germline): Conflicting classifications of pathogenicity. Review status: criteria provided, conflicting classifications (1 of 4 stars). 10 submissions from 10 submitters: Uncertain significance (1); Likely benign (5). 4 of the submissions do not count toward it. Last evaluated 2026-02-03.

Conditions:
Propionic acidemia (PROP). Also called: HYPERGLYCINEMIA WITH KETOACIDOSIS AND LEUKOPENIA; KETOTIC HYPERGLYCINEMIA; GLYCINEMIA, KETOTIC. Identifiers: Orphanet 35, MedGen C0268579, MONDO:0011628, OMIM 606054, HP:0003571.
PCCA-related disorder. Also called: PCCA-related condition.

Allele frequency attached by ClinVar (database versions not stated): TOPMed 0.00084; gnomAD 0.00092 and 0.00096; gnomAD exomes 0.00102 and 0.00158; ExAC 0.00105; ESP Exome Variant Server 0.00154.
gnomAD v4.1: 2,423 of 1,613,554 alleles (0.15%); highest among the groups gnomAD compares: Non-Finnish European, 0.19%; 7 homozygotes.

Submissions (10):

Labcorp Genetics (formerly Invitae), Labcorp
Classification: Likely benign for Propionic acidemia. Last evaluated: 2026-02-03. Review status: criteria provided, single submitter. Criteria: Invitae Variant Classification Sherloc (09022015). Collection method: clinical testing. Allele origin: germline.

CeGaT Center for Human Genetics Tuebingen
Classification: Likely benign. Last evaluated: 2024-11-01. Review status: criteria provided, single submitter. Criteria: CeGaT Center For Human Genetics Tuebingen Variant Classification Criteria Version 2. Collection method: clinical testing. Allele origin: germline. Affected: yes. Observed: 1 variant allele.
Comment: PCCA: BP4, BP7

Mayo Clinic Laboratories, Mayo Clinic
Classification: Likely benign. Last evaluated: 2024-10-31. Review status: criteria provided, single submitter. Criteria: ACMG Guidelines, 2015. Collection method: clinical testing. Allele origin: germline. Observed: 3 variant alleles.
Comment: BS1, BP4, BP7

Blueprint Genetics
Classification: Likely benign. Last evaluated: 2024-10-28. Review status: criteria provided, single submitter. Criteria: ACMG Guidelines, 2015. Collection method: clinical testing. Allele origin: germline.

GeneDx
Classification: Likely benign. Last evaluated: 2021-03-23. Review status: criteria provided, single submitter. Criteria: GeneDx Variant Classification Process June 2021. Collection method: clinical testing. Allele origin: germline. Affected: yes.

Illumina Laboratory Services, Illumina
Classification: Uncertain significance for Propionic acidemia. Last evaluated: 2018-01-13. Review status: criteria provided, single submitter. Criteria: ICSL Variant Classification Criteria 13 December 2019. Collection method: clinical testing. Allele origin: germline.

Natera, Inc.
Classification: Likely benign for Propionic acidemia. Last evaluated: 2020-04-17. Review status: no assertion criteria provided. Collection method: clinical testing. Allele origin: germline. Not counted in ClinVar's aggregate classification.

PreventionGenetics, part of Exact Sciences
Classification: Likely benign for PCCA-related condition. Last evaluated: 2019-02-27. Review status: no assertion criteria provided. Collection method: clinical testing. Allele origin: germline. Not counted in ClinVar's aggregate classification.
Comment: This variant is classified as likely benign based on ACMG/AMP sequence variant interpretation guidelines (Richards et al. 2015 PMID: 25741868, with internal and published modifications).

Clinical Genetics DNA and cytogenetics Diagnostics Lab, Erasmus MC, Erasmus Medical Center
Classification: Likely benign. Review status: no assertion criteria provided. Collection method: clinical testing. Allele origin: germline. Affected: yes. Study: VKGL Data-share Consensus. Not counted in ClinVar's aggregate classification.

Clinical Genetics, Academic Medical Center
Classification: Likely benign. Review status: no assertion criteria provided. Collection method: clinical testing. Allele origin: germline. Affected: yes. Study: VKGL Data-share Consensus. Not counted in ClinVar's aggregate classification.